The following is an entry in ClinVar:

NM_033056.4(PCDH15):c.5282_5308del (p.Ala1761_Pro1769del)

Gene: PCDH15 (protocadherin related 15; minus strand). Cytogenetic location: 10q21.1.
Variant type: Deletion.
Coding change: c.5282_5308del on transcript NM_033056.4 (MANE Plus Clinical); coding-DNA positions 5282 to 5308, 27 bases deleted (CTCCTGCTCCTCTTGCTCCTCCTCCTG).
Protein change: p.Ala1761_Pro1769del.
Molecular consequence: inframe deletion. On other transcripts: intron variant (8).
Genome position (GRCh38, 1-based): chr10:53,822,418-53,822,444, CAGGAGGAGGAGCAAGAGGAGCAGGAG deleted on the plus strand (CTCCTGCTCCTCTTGCTCCTCCTCCTG on the coding strand, the reverse complement: PCDH15 is on the minus strand); deleting any 27 consecutive bases within chr10:53,822,418-53,822,456 gives the same sequence; the c. name uses the placement nearest the transcript's 3' end. VCF-style (leftmost placement, unchanged base first): chr10-53822417-TCAGGAGGAGGAGCAAGAGGAGCAGGAG-T. GRCh37 (hg19) VCF-style: chr10-55582177-TCAGGAGGAGGAGCAAGAGGAGCAGGAG-T.
Other names: c.5303_5329del, p.Ala1768_Pro1776del (NM_001142763.2); c.5288_5314del, p.Ala1763_Pro1771del (NM_001142764.2); c.5075_5101del, p.Ala1692_Pro1700del (NM_001142765.2); c.5273_5299del, p.Ala1758_Pro1766del (NM_001142766.2); c.5162_5188del, p.Ala1721_Pro1729del (NM_001142767.2); c.5222_5248del, p.Ala1741_Pro1749del (NM_001142768.2); c.5213_5239del, p.Ala1738_Pro1746del (NM_001142773.2); c.5216_5242del, p.Ala1739_Pro1747del (NM_001354404.2); and 7 more.
Identifiers: ClinVar variation 2067564 (VCV002067564.3), dbSNP rs757865295, ClinGen allele CA5505070.

ClinVar aggregate classification (germline): Uncertain significance. Review status: criteria provided, multiple submitters, no conflicts (2 of 4 stars). 3 submissions from 3 submitters: Uncertain significance (2). 1 of the submissions does not count toward it. Last evaluated 2022-10-24.

Conditions:
Retinal dystrophy. Also called: Inherited retinal dystrophy. Identifiers: Orphanet 71862, MedGen C0854723, MeSH D058499, MONDO:0019118, HP:0000556.

Submissions (3):

Labcorp Genetics (formerly Invitae), Labcorp
Classification: Uncertain significance. Last evaluated: 2022-10-24. Review status: criteria provided, single submitter. Criteria: Invitae Variant Classification Sherloc (09022015). Collection method: clinical testing. Allele origin: germline.
Comment: This variant, c.5282_5308del, results in the deletion of 9 amino acid(s) of the PCDH15 protein (p.Ala1761_Pro1769del), but otherwise preserves the integrity of the reading frame. The frequency data for this variant in the population databases is considered unreliable, as metrics indicate poor data quality at this position in the gnomAD database. This variant has not been reported in the literature in individuals affected with PCDH15-related conditions. In summary, the available evidence is currently insufficient to determine the role of this variant in disease. Therefore, it has been classified as a Variant of Uncertain Significance.

Blueprint Genetics
Classification: Uncertain significance. Last evaluated: 2022-06-24. Review status: criteria provided, single submitter. Criteria: ACMG Guidelines, 2015. Collection method: clinical testing. Allele origin: germline.

Institute of Human Genetics, Univ. Regensburg, Univ. Regensburg
Classification: Uncertain significance for Retinal dystrophy. Last evaluated: 2021-01-01. Review status: no assertion criteria provided. Criteria: ACMG Guidelines, 2015. Collection method: clinical testing. Allele origin: germline. Affected: yes. Not counted in ClinVar's aggregate classification.